The following is an entry in ClinVar:

ClinVar aggregate classification (germline): Likely benign (1 of 4 stars; one submission).

Conditions:
CREBBP-related disorder. Also called: CREBBP-related condition; CREBBP-related disorders.

gnomAD v4.1: 2 of 1,614,134 alleles (0.00012%); highest among the groups gnomAD compares: Non-Finnish European, 0.00017%; no homozygotes.

Submission:

PreventionGenetics, part of Exact Sciences
Classification: Likely benign for CREBBP-related condition. Last evaluated: 2026-07-23. Review status: criteria provided, single submitter. Criteria: ACMG Guidelines, 2015. Collection method: clinical testing. Allele origin: germline.
Comment: This variant is classified as likely benign based on ACMG/AMP sequence variant interpretation guidelines (Richards et al. 2015 PMID: 25741868, with internal and published modifications).

NM_004380.3(CREBBP):c.2700C>G (p.Thr900=)

Gene: CREBBP (CREB binding lysine acetyltransferase; minus strand). Cytogenetic location: 16p13.3.
Variant type: single nucleotide variant.
Coding change: c.2700C>G on transcript NM_004380.3 (MANE Select); coding-DNA position 2700, C replaced by G.
Protein change: p.Thr900=; no amino-acid change (threonine 900 retained).
Molecular consequence: synonymous variant.
Genome position (GRCh38, 1-based): chr16:3,770,750, G>C on the plus strand (C>G on the coding strand, the complement: CREBBP is on the minus strand). VCF-style: chr16-3770750-G-C. GRCh37 (hg19) VCF-style: chr16-3820751-G-C.
Other names: c.2586C>G, p.Thr862= (NM_001079846.1).
Identifiers: ClinVar variation 4992736 (VCV004992736.1).
Genomic context (GRCh38, chr16:3,770,750, plus strand): 5'-TGCCTGGACTGTAGGGGTGCTCTGGGTTTGGGTAGCACTGGGCACTGAGCCAGGAGTCGG[G>C]GTGGGAGTCTGCCCGGAAGACGACACAGGAGTTGATGGCTGAGTGGGAGCTGCTGGCTGG-3'
Protein context (NP_004371.2, residues 890-910): TPVSSSGQTP[Thr900=]PTPGSVPSAT